The following is an entry in ClinVar:

ClinVar aggregate classification (germline): Pathogenic (1 of 4 stars; one submission).

Conditions:
Peroxisome biogenesis disorder. Identifiers: Orphanet 79189, MedGen C1832200, MONDO:0019234. Disease mechanism: loss of function.

Submission:

Labcorp Genetics (formerly Invitae), Labcorp
Classification: Pathogenic for Peroxisome biogenesis disorder. Last evaluated: 2024-10-21. Review status: criteria provided, single submitter. Criteria: Invitae Variant Classification Sherloc (09022015). Collection method: clinical testing. Allele origin: germline.
Comment: This sequence change creates a premature translational stop signal (p.Arg39*) in the PEX16 gene. It is expected to result in an absent or disrupted protein product. Loss-of-function variants in PEX16 are known to be pathogenic (PMID: 9837814, 11890679, 20647552, 20681997). This variant is not present in population databases (gnomAD no frequency). This variant has not been reported in the literature in individuals affected with PEX16-related conditions. ClinVar contains an entry for this variant (Variation ID: 1072383). For these reasons, this variant has been classified as Pathogenic.

Literature cited by the submitters: PubMed 9837814; PubMed 11890679; PubMed 20647552; PubMed 20681997.

NM_004813.4(PEX16):c.115C>T (p.Arg39Ter)

Gene: PEX16 (peroxisomal biogenesis factor 16; minus strand). Cytogenetic location: 11p11.2.
Variant type: single nucleotide variant.
Coding change: c.115C>T on transcript NM_004813.4 (MANE Select); coding-DNA position 115, C replaced by T.
Protein change: p.Arg39Ter; replaces arginine 39 with a stop codon.
Molecular consequence: nonsense.
Genome position (GRCh38, 1-based): chr11:45,917,491, G>A on the plus strand (C>T on the coding strand, the complement: PEX16 is on the minus strand). VCF-style: chr11-45917491-G-A. GRCh37 (hg19) VCF-style: chr11-45939042-G-A.
Other names: c.115C>T, p.Arg39Ter (NM_057174.3); short protein forms R39*.
Identifiers: ClinVar variation 1072383 (VCV001072383.7), dbSNP rs2134699162, ClinGen allele CA380230321.